The following is an entry in ClinVar:

NM_001375.3(DNASE2):c.925G>T (p.Val309Leu)

Gene: DNASE2 (deoxyribonuclease 2, lysosomal; minus strand). Cytogenetic location: 19p13.13.
Variant type: single nucleotide variant.
Coding change: c.925G>T on transcript NM_001375.3 (MANE Select); coding-DNA position 925, G replaced by T.
Protein change: p.Val309Leu; replaces valine 309 with leucine.
Molecular consequence: missense variant.
Genome position (GRCh38, 1-based): chr19:12,876,148, C>A on the plus strand (G>T on the coding strand, the complement: DNASE2 is on the minus strand). VCF-style: chr19-12876148-C-A. GRCh37 (hg19) VCF-style: chr19-12986962-C-A.
Other names: short protein forms V309L.
Identifiers: ClinVar variation 1491986 (VCV001491986.7), dbSNP rs747693624, ClinGen allele CA404295868.

ClinVar aggregate classification (germline): Uncertain significance (1 of 4 stars; one submission).

gnomAD v4.1: 2 of 1,614,118 alleles (0.00012%); highest among the groups gnomAD compares: African/African-American, 0.0027%; no homozygotes.

Submission:

Labcorp Genetics (formerly Invitae), Labcorp
Classification: Uncertain significance. Last evaluated: 2022-01-26. Review status: criteria provided, single submitter. Criteria: Invitae Variant Classification Sherloc (09022015). Collection method: clinical testing. Allele origin: germline.
Comment: This variant has not been reported in the literature in individuals affected with DNASE2-related conditions. This sequence change replaces valine, which is neutral and non-polar, with leucine, which is neutral and non-polar, at codon 309 of the DNASE2 protein (p.Val309Leu). This variant is not present in population databases (gnomAD no frequency). Algorithms developed to predict the effect of missense changes on protein structure and function are either unavailable or do not agree on the potential impact of this missense change (SIFT: "Deleterious"; PolyPhen-2: "Probably Damaging"; Align-GVGD: "Class C0"). In summary, the available evidence is currently insufficient to determine the role of this variant in disease. Therefore, it has been classified as a Variant of Uncertain Significance.